The following is an entry in ClinVar:

NM_001164508.2(NEB):c.1782+2T>G

Gene: NEB (nebulin; minus strand). Cytogenetic location: 2q23.3.
Variant type: single nucleotide variant.
Coding change: c.1782+2T>G on transcript NM_001164508.2 (MANE Select); the canonical splice donor site of the intron after coding-DNA position 1782, T replaced by G.
Molecular consequence: splice donor variant.
Genome position (GRCh38, 1-based): chr2:151,694,520, A>C on the plus strand (T>G on the coding strand, the complement: NEB is on the minus strand). VCF-style: chr2-151694520-A-C. GRCh37 (hg19) VCF-style: chr2-152551034-A-C.
Other names: c.1782+2T>G (NM_004543.5, NM_001164507.2, NM_001271208.2).
Identifiers: ClinVar variation 3657129 (VCV003657129.2).

ClinVar aggregate classification (germline): Likely pathogenic (1 of 4 stars; one submission).

Conditions:
Nemaline myopathy 2 (NEM2). Also called: Nemaline myopathy 2, autosomal recessive. Identifiers: MedGen C1850569, MONDO:0009725, OMIM 256030.

Submission:

Labcorp Genetics (formerly Invitae), Labcorp
Classification: Likely pathogenic for Nemaline myopathy 2. Last evaluated: 2024-07-27. Review status: criteria provided, single submitter. Criteria: Invitae Variant Classification Sherloc (09022015). Collection method: clinical testing. Allele origin: germline.
Comment: This sequence change affects a donor splice site in intron 19 of the NEB gene. It is expected to disrupt RNA splicing. Variants that disrupt the donor or acceptor splice site typically lead to a loss of protein function (PMID: 16199547), and loss-of-function variants in NEB are known to be pathogenic (PMID: 25205138). This variant is not present in population databases (gnomAD no frequency). This variant has not been reported in the literature in individuals affected with NEB-related conditions. Algorithms developed to predict the effect of sequence changes on RNA splicing suggest that this variant may disrupt the consensus splice site. In summary, the currently available evidence indicates that the variant is pathogenic, but additional data are needed to prove that conclusively. Therefore, this variant has been classified as Likely Pathogenic.

Literature cited by the submitters: PubMed 16199547; PubMed 25205138.